The following is an entry in ClinVar:

NM_003321.5(TUFM):c.684+8C>T

Gene: TUFM (Tu translation elongation factor, mitochondrial; minus strand). Cytogenetic location: 16p11.2.
Variant type: single nucleotide variant.
Coding change: c.684+8C>T on transcript NM_003321.5 (MANE Select); 8 bases into the intron after coding-DNA position 684, C replaced by T.
Molecular consequence: intron variant.
Genome position (GRCh38, 1-based): chr16:28,844,690, G>A on the plus strand (C>T on the coding strand, the complement: TUFM is on the minus strand). VCF-style: chr16-28844690-G-A. GRCh37 (hg19) VCF-style: chr16-28856011-G-A.
Other names: c.684+8C>T (NM_001365360.2).
Identifiers: ClinVar variation 318750 (VCV000318750.13), dbSNP rs117782882, ClinGen allele CA7985575.
Genomic context (GRCh38, chr16:28,844,690, plus strand): 5'-AGCAGAGCTCTGGGTGCCCATCCAGCCCCACCCTCTGCAGCAGCTGCCCTGCCTGACCCC[G>A]CGTTCACCTCAAGGGCACAGAGAGCAGAGCCTACGATGACTGGGGTCTCCTCCCCTTTAT-3'

ClinVar aggregate classification (germline): Conflicting classifications of pathogenicity. Review status: criteria provided, conflicting classifications (1 of 4 stars). 3 submissions from 3 submitters: Uncertain significance (1); Benign (1); Likely benign (1). Last evaluated 2021-07-31.

Conditions:
Combined oxidative phosphorylation defect type 4. Identifiers: Orphanet 254925, MedGen C1857682, MONDO:0012534, OMIM 610678.

Allele frequency attached by ClinVar (database versions not stated): gnomAD 0.00006 and 0.00010; gnomAD exomes 0.00009; TOPMed 0.00013; 1000 Genomes Project 30x 0.00047; 1000 Genomes Project 0.00060.
gnomAD v4.1: 155 of 1,614,112 alleles (0.0096%); highest among the groups gnomAD compares: East Asian, 0.28%; 1 homozygote.

Submissions (5):

Labcorp Genetics (formerly Invitae), Labcorp
Classification: Benign. Last evaluated: 2021-07-31. Review status: criteria provided, single submitter. Criteria: Invitae Variant Classification Sherloc (09022015). Collection method: clinical testing. Allele origin: germline.

Illumina Laboratory Services, Illumina
Classification: Uncertain significance for Combined oxidative phosphorylation defect type 4. Last evaluated: 2018-01-12. Review status: criteria provided, single submitter. Criteria: ICSL Variant Classification Criteria 13 December 2019. Collection method: clinical testing. Allele origin: germline.

GeneDx
Classification: Likely benign. Last evaluated: 2017-11-15. Review status: criteria provided, single submitter. Criteria: GeneDx Variant Classification (06012015). Collection method: clinical testing. Allele origin: germline. Affected: yes.
Comment: This variant is considered likely benign or benign based on one or more of the following criteria: it is a conservative change, it occurs at a poorly conserved position in the protein, it is predicted to be benign by multiple in silico algorithms, and/or has population frequency not consistent with disease.

Dr. Peter K. Rogan Lab, Western University
No classification provided (evidence only). Condition: Ovarian serous cystadenocarcinoma. Review status: no classification provided. Collection method: in vitro. Allele origin: not applicable. Functional consequence: retained intron. Not counted in ClinVar's aggregate classification.

Dr. Peter K. Rogan Lab, Western University
No classification provided (evidence only). Condition: Gastric cancer. Review status: no classification provided. Collection method: in vitro. Allele origin: not applicable. Functional consequence: retained intron. Not counted in ClinVar's aggregate classification.